The following is an entry in ClinVar:

ClinVar aggregate classification (germline): Uncertain significance (1 of 4 stars; one submission).

Conditions:
Developmental and epileptic encephalopathy 97 (DEE97). Identifiers: MedGen C5561999, MONDO:0030453, OMIM 619561.

gnomAD v4.1: 1 of 984,988 alleles (0.0001%); highest among the groups gnomAD compares: African/African-American, 0.0017%; no homozygotes.

Submission:

Institute of Human Genetics, University of Leipzig Medical Center
Classification: Uncertain significance for Developmental and epileptic encephalopathy 97. Last evaluated: 2026-07-14. Review status: criteria provided, single submitter. Criteria: ACMG Guidelines, 2015. Collection method: clinical testing. Allele origin: unknown. Inheritance: Autosomal dominant inheritance. Affected: yes.
Comment: Criteria applied: PVS1_STR,PM2_SUP

NM_001326325.2(CELF2):c.45C>A (p.Cys15Ter)

Gene: CELF2 (CUGBP Elav-like family member 2; plus strand). Cytogenetic location: 10p14.
Variant type: single nucleotide variant.
Coding change: c.45C>A on transcript NM_001326325.2; coding-DNA position 45, C replaced by A.
Protein change: p.Cys15Ter; replaces cysteine 15 with a stop codon.
Molecular consequence: nonsense. On other transcripts: 5 prime UTR variant (3), intron variant (7).
Genome position (GRCh38, 1-based): chr10:10,846,091, C>A. VCF-style: chr10-10846091-C-A. GRCh37 (hg19) VCF-style: chr10-10888054-C-A.
Other names: c.-121C>A (NM_001326320.2, NM_001326323.2, NM_001326328.2); c.-93-73873C>A (NM_001326319.2); c.-55-73873C>A (NM_001326321.2, NM_001326318.2, NM_001326317.2); c.-56+49188C>A (NM_001326324.2); c.53+47274C>A (NM_001326327.2, NM_001326326.2); short protein forms C15*.
Identifiers: ClinVar variation 4890717 (VCV004890717.1).
Genomic context (GRCh38, chr10:10,846,091, plus strand): 5'-CTCATTAACCTGTGAACCCCCTTTCATTGTAGACTTTTGTGATTCGATCAGATCCTTCTG[C>A]GCTCCCAGAGTTCAAGCAGGAGTAAGCAATTCCTTTGACGATATTTGGGAACCTCGCTAT-3'